The following is an entry in ClinVar:

NM_003403.5(YY1):c.141G>C (p.Glu47Asp)

Gene: YY1 (YY1 transcription factor; plus strand). Cytogenetic location: 14q32.2.
Variant type: single nucleotide variant.
Coding change: c.141G>C on transcript NM_003403.5 (MANE Select); coding-DNA position 141, G replaced by C.
Protein change: p.Glu47Asp; replaces glutamic acid 47 with aspartic acid.
Molecular consequence: missense variant.
Genome position (GRCh38, 1-based): chr14:100,239,385, G>C. VCF-style: chr14-100239385-G-C. GRCh37 (hg19) VCF-style: chr14-100705722-G-C.
Other names: short protein forms E47D.
Identifiers: ClinVar variation 716403 (VCV000716403.6), dbSNP rs142619613, ClinGen allele CA7343931.
Genomic context (GRCh38, chr14:100,239,385, plus strand): 5'-GGTGGAGACCATCCCGGTGGAGACCATCGAGACCACAGTGGTGGGCGAGGAGGAGGAGGA[G>C]GACGACGACGACGAGGACGGCGGCGGTGGCGACCACGGCGGCGGGGGCGGCCACGGGCAC-3'
Protein context (NP_003394.1, residues 37-57): ETTVVGEEEE[Glu47Asp]DDDDEDGGGG

ClinVar aggregate classification (germline): Benign. Review status: criteria provided, multiple submitters, no conflicts (2 of 4 stars). 3 submissions from 3 submitters: Benign (3). Last evaluated 2026-06-23.

Conditions:
YY1-related disorder. Also called: YY1-related condition.

Allele frequency attached by ClinVar (database versions not stated): gnomAD 0.01280 and 0.01208; TOPMed 0.01314; 1000 Genomes Project 0.01717; 1000 Genomes Project 30x 0.01718; gnomAD exomes 0.00294; ExAC 0.00380; ESP Exome Variant Server 0.01221.
gnomAD v4.1: 3,719 of 1,595,050 alleles (0.23%); highest among the groups gnomAD compares: African/African-American, 4.2%; 72 homozygotes.

Submissions (3):

PreventionGenetics, part of Exact Sciences
Classification: Benign for YY1-related condition. Last evaluated: 2026-06-23. Review status: criteria provided, single submitter. Criteria: ACMG Guidelines, 2015. Collection method: clinical testing. Allele origin: germline.
Comment: This variant is classified as benign based on ACMG/AMP sequence variant interpretation guidelines (Richards et al. 2015 PMID: 25741868, with internal and published modifications).

Labcorp Genetics (formerly Invitae), Labcorp
Classification: Benign. Last evaluated: 2019-12-31. Review status: criteria provided, single submitter. Criteria: Invitae Variant Classification Sherloc (09022015). Collection method: clinical testing. Allele origin: germline.

Breakthrough Genomics
Classification: Benign. Review status: criteria provided, single submitter. Criteria: ACMG Guidelines, 2015. Collection method: not provided. Allele origin: germline. Inheritance: Autosomal dominant inheritance. Affected: yes.